The following is an entry in ClinVar:

NM_177438.3(DICER1):c.4630A>G (p.Ile1544Val)

Gene: DICER1 (dicer 1, ribonuclease III; minus strand). Cytogenetic location: 14q32.13.
Variant type: single nucleotide variant.
Coding change: c.4630A>G on transcript NM_177438.3 (MANE Select); coding-DNA position 4630, A replaced by G.
Protein change: p.Ile1544Val; replaces isoleucine 1544 with valine.
Molecular consequence: missense variant.
Genome position (GRCh38, 1-based): chr14:95,096,290, T>C on the plus strand (A>G on the coding strand, the complement: DICER1 is on the minus strand). VCF-style: chr14-95096290-T-C. GRCh37 (hg19) VCF-style: chr14-95562627-T-C.
Other names: c.4630A>G, p.Ile1544Val (NM_001195573.1, NM_001271282.3, NM_001291628.2 and 1 more transcripts); short protein forms I1544V.
Identifiers: ClinVar variation 479628 (VCV000479628.18), dbSNP rs1555367720, ClinGen allele CA390867655.

ClinVar aggregate classification (germline): Uncertain significance. Review status: criteria provided, multiple submitters, no conflicts (2 of 4 stars). 4 submissions from 4 submitters: Uncertain significance (4). Last evaluated 2025-06-17.

Conditions:
DICER1-related tumor predisposition. Also called: DICER1 syndrome; DICER1-related pleuropulmonary blastoma cancer predisposition syndrome. Identifiers: Orphanet 284343, MedGen C3839822, MONDO:0100216.
Pleuropulmonary blastoma (PPB). Identifiers: Orphanet 64742, MedGen C1266144, MONDO:0011014, OMIM 601200, HP:0100528.
Hereditary cancer-predisposing syndrome. Also called: Tumor predisposition; Hereditary Cancer Syndrome; Neoplastic Syndromes, Hereditary; Hereditary neoplastic syndrome. Identifiers: Orphanet 140162, MedGen C0027672, MeSH D009386, MONDO:0015356.

gnomAD v4.1: 1 of 1,614,214 alleles (0.000062%); no homozygotes.

Submissions (4):

St. Jude Molecular Pathology, St. Jude Children's Research Hospital
Classification: Uncertain significance for Pleuropulmonary blastoma. Last evaluated: 2025-06-17. Review status: criteria provided, single submitter. Criteria: St. Jude Assertion Criteria 2020. Collection method: clinical testing. Allele origin: germline.
Comment: The DICER1 c.4630A>G p.(Ile1544Val) missense change is absent in gnomAD v2.1.1. The in silico tool REVEL predicts a benign effect on protein function and no splicing effects are predicted, but to our knowledge these predictions have not been confirmed by functional studies. To our knowledge, this variant has not been reported in individuals with DICER1 syndrome. In summary, the evidence currently available is insufficient to determine the clinical significance of this variant. It has therefore been classified as of uncertain significance.

Ambry Genetics
Classification: Uncertain significance for Hereditary cancer-predisposing syndrome. Last evaluated: 2025-05-14. Review status: criteria provided, single submitter. Criteria: Ambry Variant Classification Scheme 2023. Collection method: clinical testing. Allele origin: germline.
Comment: The p.I1544V variant (also known as c.4630A>G), located in coding exon 22 of the DICER1 gene, results from an A to G substitution at nucleotide position 4630. The isoleucine at codon 1544 is replaced by valine, an amino acid with highly similar properties. This amino acid position is highly conserved in available vertebrate species. In addition, this alteration is predicted to be tolerated by in silico analysis. Based on the available evidence, the clinical significance of this variant remains unclear.

Blueprint Genetics
Classification: Uncertain significance. Last evaluated: 2024-06-03. Review status: criteria provided, single submitter. Criteria: ACMG Guidelines, 2015. Collection method: clinical testing. Allele origin: germline.

Labcorp Genetics (formerly Invitae), Labcorp
Classification: Uncertain significance for DICER1-related tumor predisposition. Last evaluated: 2022-09-19. Review status: criteria provided, single submitter. Criteria: Invitae Variant Classification Sherloc (09022015). Collection method: clinical testing. Allele origin: germline.
Comment: This sequence change replaces isoleucine, which is neutral and non-polar, with valine, which is neutral and non-polar, at codon 1544 of the DICER1 protein (p.Ile1544Val). In summary, the available evidence is currently insufficient to determine the role of this variant in disease. Therefore, it has been classified as a Variant of Uncertain Significance. Advanced modeling of protein sequence and biophysical properties (such as structural, functional, and spatial information, amino acid conservation, physicochemical variation, residue mobility, and thermodynamic stability) performed at Invitae indicates that this missense variant is not expected to disrupt DICER1 protein function. This variant is not present in population databases (gnomAD no frequency). This variant has not been reported in the literature in individuals affected with DICER1-related conditions. ClinVar contains an entry for this variant (Variation ID: 479628).